The following is an entry in ClinVar:

ClinVar aggregate classification (germline): Uncertain significance (1 of 4 stars; one submission).

Conditions:
Propionic acidemia (PROP). Also called: GLYCINEMIA, KETOTIC; HYPERGLYCINEMIA WITH KETOACIDOSIS AND LEUKOPENIA; KETOTIC HYPERGLYCINEMIA. Identifiers: Orphanet 35, MedGen C0268579, MONDO:0011628, OMIM 606054, HP:0003571.

Allele frequency attached by ClinVar (database versions not stated): gnomAD exomes below 0.00001; gnomAD 0.00001; ExAC 0.00002; ESP Exome Variant Server 0.00008.
gnomAD v4.1: 9 of 1,612,736 alleles (0.00056%); highest among the groups gnomAD compares: South Asian, 0.0022%; no homozygotes.

Submission:

Labcorp Genetics (formerly Invitae), Labcorp
Classification: Uncertain significance for Propionic acidemia. Last evaluated: 2025-08-18. Review status: criteria provided, single submitter. Criteria: Invitae Variant Classification Sherloc (09022015). Collection method: clinical testing. Allele origin: germline.
Comment: This sequence change affects codon 310 of the PCCA mRNA. It is a 'silent' change, meaning that it does not change the encoded amino acid sequence of the PCCA protein. The frequency data for this variant in the population databases is considered unreliable, as metrics indicate poor data quality at this position in the gnomAD database. This variant has not been reported in the literature in individuals affected with PCCA-related conditions. ClinVar contains an entry for this variant (Variation ID: 2165243). Algorithms developed to predict the effect of sequence changes on RNA splicing suggest that this variant may disrupt the consensus splice site. In summary, the available evidence is currently insufficient to determine the role of this variant in disease. Therefore, it has been classified as a Variant of Uncertain Significance.

NM_000282.4(PCCA):c.930G>A (p.Ala310=)

Gene: PCCA (propionyl-CoA carboxylase subunit alpha; plus strand). Cytogenetic location: 13q32.3.
Variant type: single nucleotide variant.
Coding change: c.930G>A on transcript NM_000282.4 (MANE Select); coding-DNA position 930, G replaced by A.
Protein change: p.Ala310=; no amino-acid change (alanine 310 retained).
Molecular consequence: synonymous variant. On other transcripts: 5 prime UTR variant (3), non-coding transcript variant (5).
Genome position (GRCh38, 1-based): chr13:100,273,211, G>A. VCF-style: chr13-100273211-G-A. GRCh37 (hg19) VCF-style: chr13-100925465-G-A.
Other names: c.852G>A, p.Ala284= (NM_001127692.3, NM_001352607.2, NM_001352608.2); c.930G>A, p.Ala310= (NM_001178004.2, NM_001352605.2, NM_001352606.2 and 1 more transcripts); c.-16G>A (NM_001352610.2, NM_001352611.2, NM_001352612.2).
Identifiers: ClinVar variation 2165243 (VCV002165243.4), dbSNP rs377248400, ClinGen allele CA7033458.